The following is an entry in ClinVar:

ClinVar aggregate classification (germline): Uncertain significance (1 of 4 stars; one submission).

Conditions:
RORA-related disorder. Also called: RORA-related condition.

gnomAD v4.1: 1 of 1,530,498 alleles (0.000065%); highest among the groups gnomAD compares: Non-Finnish European, 0.000088%; no homozygotes.

Submission:

PreventionGenetics, part of Exact Sciences
Classification: Uncertain significance for RORA-related condition. Last evaluated: 2026-08-19. Review status: criteria provided, single submitter. Criteria: ACMG Guidelines, 2015. Collection method: clinical testing. Allele origin: germline.
Comment: The RORA c.153C>T variant is not predicted to result in an amino acid change (p.=). This variant is predicted to create a cryptic splice donor site based on an available splicing prediction program (SpliceAI, Jaganathan et al. 2019. PubMed ID: 30661751). However, the use of computer prediction programs is not equivalent to functional evidence. To our knowledge, this variant has not been reported in the literature or in a large population database (gnomAD), indicating this variant is rare. At this time, the clinical significance of this variant is uncertain due to the absence of conclusive functional and genetic evidence.

NM_134261.3(RORA):c.153C>T (p.Ser51=)

Gene: RORA (RAR related orphan receptor A; minus strand). Cytogenetic location: 15q22.2.
Variant type: single nucleotide variant.
Coding change: c.153C>T on transcript NM_134261.3 (MANE Select); coding-DNA position 153, C replaced by T.
Protein change: p.Ser51=; no amino-acid change (serine 51 retained).
Molecular consequence: synonymous variant.
Genome position (GRCh38, 1-based): chr15:61,229,066, G>A on the plus strand (C>T on the coding strand, the complement: RORA is on the minus strand). VCF-style: chr15-61229066-G-A. GRCh37 (hg19) VCF-style: chr15-61521265-G-A.
Identifiers: ClinVar variation 4996356 (VCV004996356.1).